The following is an entry in ClinVar:

ClinVar aggregate classification (germline): Uncertain significance (1 of 4 stars; one submission).

Submission:

Labcorp Genetics (formerly Invitae), Labcorp
Classification: Uncertain significance. Last evaluated: 2023-01-15. Review status: criteria provided, single submitter. Criteria: Invitae Variant Classification Sherloc (09022015). Collection method: clinical testing. Allele origin: germline.
Comment: In summary, the available evidence is currently insufficient to determine the role of this variant in disease. Therefore, it has been classified as a Variant of Uncertain Significance. Algorithms developed to predict the effect of missense changes on protein structure and function (SIFT, PolyPhen-2, Align-GVGD) all suggest that this variant is likely to be tolerated. This variant has not been reported in the literature in individuals affected with SNIP1-related conditions. This variant is not present in population databases (gnomAD no frequency). This sequence change replaces histidine, which is basic and polar, with tyrosine, which is neutral and polar, at codon 65 of the SNIP1 protein (p.His65Tyr).

NM_024700.4(SNIP1):c.193C>T (p.His65Tyr)

Genes: SNIP1 (Smad nuclear interacting protein 1; minus strand), LOC129930156 (ATAC-STARR-seq lymphoblastoid silent region 673; plus strand). Cytogenetic location: 1p34.3.
Variant type: single nucleotide variant.
Coding change: c.193C>T on transcript NM_024700.4 (MANE Select); coding-DNA position 193, C replaced by T.
Protein change: p.His65Tyr; replaces histidine 65 with tyrosine.
Molecular consequence: missense variant.
Genome position (GRCh38, 1-based): chr1:37,554,037, G>A on the plus strand (C>T on the coding strand, the complement: SNIP1 is on the minus strand). VCF-style: chr1-37554037-G-A. GRCh37 (hg19) VCF-style: chr1-38019638-G-A.
Other names: short protein forms H65Y.
Identifiers: ClinVar variation 2828736 (VCV002828736.3), dbSNP rs1178294864, ClinGen allele CA339429759.